The following is an entry in ClinVar:

ClinVar aggregate classification (germline): Uncertain significance. Review status: criteria provided, single submitter (1 of 4 stars). 2 submissions from 2 submitters: Uncertain significance (1). 1 of the submissions does not count toward it. Last evaluated 2021-08-30.

Conditions:
Ellis-van Creveld syndrome (EVC). Also called: EVC-Related Ellis-van Creveld Syndrome; EVC2-Related Ellis-van Creveld Syndrome; Chondroectodermal dysplasia; MESOECTODERMAL DYSPLASIA. Identifiers: Orphanet 289, MedGen C0013903, MONDO:0009162, OMIM 225500.
Curry-Hall syndrome (WAD). Also called: WEYERS ACRODENTAL DYSOSTOSIS. Identifiers: Orphanet 952, MedGen C0457013, MONDO:0008673, OMIM 193530.

Allele frequency attached by ClinVar (database versions not stated): gnomAD exomes below 0.00001; gnomAD 0.00001; TOPMed 0.00002.
gnomAD v4.1: 8 of 1,614,040 alleles (0.0005%); highest among the groups gnomAD compares: Middle Eastern, 0.016%; no homozygotes.

Submissions (2):

Labcorp Genetics (formerly Invitae), Labcorp
Classification: Uncertain significance for Curry-Hall syndrome; Ellis-van Creveld syndrome. Last evaluated: 2021-08-30. Review status: criteria provided, single submitter. Criteria: Invitae Variant Classification Sherloc (09022015). Collection method: clinical testing. Allele origin: germline.
Comment: This sequence change replaces arginine with cysteine at codon 190 of the EVC protein (p.Arg190Cys). The arginine residue is moderately conserved and there is a large physicochemical difference between arginine and cysteine. This variant is not present in population databases (ExAC no frequency). This variant has not been reported in the literature in individuals affected with EVC-related conditions. Algorithms developed to predict the effect of missense changes on protein structure and function output the following: SIFT: "Tolerated"; PolyPhen-2: "Probably Damaging"; Align-GVGD: "Class C0". The cysteine amino acid residue is found in multiple mammalian species, which suggests that this missense change does not adversely affect protein function. In summary, the available evidence is currently insufficient to determine the role of this variant in disease. Therefore, it has been classified as a Variant of Uncertain Significance.

Natera, Inc.
Classification: Uncertain significance for Ellis-van Creveld syndrome. Last evaluated: 2020-11-25. Review status: no assertion criteria provided. Collection method: clinical testing. Allele origin: germline. Not counted in ClinVar's aggregate classification.

NM_153717.3(EVC):c.568C>T (p.Arg190Cys)

Gene: EVC (EvC ciliary complex subunit 1; plus strand). Cytogenetic location: 4p16.2.
Variant type: single nucleotide variant.
Coding change: c.568C>T on transcript NM_153717.3 (MANE Select); coding-DNA position 568, C replaced by T.
Protein change: p.Arg190Cys; replaces arginine 190 with cysteine.
Molecular consequence: missense variant.
Genome position (GRCh38, 1-based): chr4:5,731,608, C>T. VCF-style: chr4-5731608-C-T. GRCh37 (hg19) VCF-style: chr4-5733335-C-T.
Other names: c.568C>T, p.Arg190Cys (NM_001306090.2, NM_001306092.2); short protein forms R190C.
Identifiers: ClinVar variation 972144 (VCV000972144.9), dbSNP rs1286815295, ClinGen allele CA356143128.